The following is an entry in ClinVar:

ClinVar aggregate classification (germline): Benign/Likely benign. Review status: criteria provided, multiple submitters, no conflicts (2 of 4 stars). 5 submissions from 5 submitters: Benign (2); Likely benign (3). Last evaluated 2025-08-29.

Conditions:
Tuberous sclerosis 1 (TSC1). Identifiers: Orphanet 805, MedGen C1854465, MONDO:0008612, OMIM 191100.

Allele frequency attached by ClinVar (database versions not stated): gnomAD exomes below 0.00001; TOPMed below 0.00001; ExAC 0.00001.
gnomAD v4.1: 2 of 1,613,660 alleles (0.00012%); highest among the groups gnomAD compares: Non-Finnish European, 0.00017%; no homozygotes.

Submissions (5):

Labcorp Genetics (formerly Invitae), Labcorp
Classification: Likely benign for Tuberous sclerosis 1. Last evaluated: 2025-08-29. Review status: criteria provided, single submitter. Criteria: Invitae Variant Classification Sherloc (09022015). Collection method: clinical testing. Allele origin: germline.

Myriad Genetics, Inc.
Classification: Likely benign for Tuberous sclerosis 1. Last evaluated: 2025-04-09. Review status: criteria provided, single submitter. Criteria: Myriad Autosomal Dominant, Autosomal Recessive and X-Linked Classification Criteria (2023). Collection method: clinical testing. Allele origin: unknown.
Comment: This variant is considered likely benign. This variant is intronic and is not expected to impact mRNA splicing.

Mendelics
Classification: Benign. Last evaluated: 2022-05-04. Review status: criteria provided, single submitter. Criteria: Mendelics Assertion Criteria 2019. Collection method: clinical testing. Allele origin: germline.

Genome-Nilou Lab
Classification: Benign for Tuberous sclerosis 1. Last evaluated: 2021-11-07. Review status: criteria provided, single submitter. Criteria: ACMG Guidelines, 2015. Collection method: clinical testing. Allele origin: germline. Affected: no.

GeneDx
Classification: Likely benign. Last evaluated: 2016-10-04. Review status: criteria provided, single submitter. Criteria: GeneDx Variant Classification (06012015). Collection method: clinical testing. Allele origin: germline. Affected: yes.
Comment: This variant is considered likely benign or benign based on one or more of the following criteria: it is a conservative change, it occurs at a poorly conserved position in the protein, it is predicted to be benign by multiple in silico algorithms, and/or has population frequency not consistent with disease.

NM_000368.5(TSC1):c.1333+9T>A

Gene: TSC1 (TSC complex subunit 1; minus strand). Cytogenetic location: 9q34.13.
Variant type: single nucleotide variant.
Coding change: c.1333+9T>A on transcript NM_000368.5 (MANE Select); 9 bases into the intron after coding-DNA position 1333, T replaced by A.
Molecular consequence: intron variant.
Genome position (GRCh38, 1-based): chr9:132,907,292, A>T on the plus strand (T>A on the coding strand, the complement: TSC1 is on the minus strand). VCF-style: chr9-132907292-A-T. GRCh37 (hg19) VCF-style: chr9-135782679-A-T.
Other names: c.970+9T>A (NM_001362177.2); c.1180+9T>A (NM_001162427.2); c.1330+9T>A (NM_001162426.2).
Identifiers: ClinVar variation 389851 (VCV000389851.13), dbSNP rs747629498, ClinGen allele CA028245.
Genomic context (GRCh38, chr9:132,907,292, plus strand): 5'-TCTTTTCTTAAACACATATAACCCAATTAGAAGAGGCAAGCAAGGCCTGTAGTAACGCAG[A>T]AATTTTACCTGATCCTCTGTCATTCAGAAGATGGTGTTGTCTGTGTAGACATGGTCTTGC-3'